The following is an entry in ClinVar:

NM_145207.3(AFG2A):c.1670A>G (p.His557Arg)

Gene: AFG2A (AAA ATPase AFG2A; plus strand). Cytogenetic location: 4q28.1.
Variant type: single nucleotide variant.
Coding change: c.1670A>G on transcript NM_145207.3 (MANE Select); coding-DNA position 1670, A replaced by G.
Protein change: p.His557Arg; replaces histidine 557 with arginine.
Molecular consequence: missense variant.
Genome position (GRCh38, 1-based): chr4:122,947,444, A>G. VCF-style: chr4-122947444-A-G. GRCh37 (hg19) VCF-style: chr4-123868599-A-G.
Other names: c.1667A>G, p.His556Arg (NM_001317799.2, NM_001345856.2); short protein forms H556R, H557R.
Identifiers: ClinVar variation 658521 (VCV000658521.7), dbSNP rs373256503, ClinGen allele CA358108460.

ClinVar aggregate classification (germline): Uncertain significance (1 of 4 stars; one submission).

Conditions:
Microcephaly-intellectual disability-sensorineural hearing loss-epilepsy-abnormal muscle tone syndrome (NEDHSB). Also called: NEURODEVELOPMENTAL DISORDER WITH HEARING LOSS, SEIZURES, AND BRAIN ABNORMALITIES. Identifiers: Orphanet 457351, MedGen C4225276, MONDO:0014698, OMIM 616577.

gnomAD v4.1: 2 of 1,613,926 alleles (0.00012%); highest among the groups gnomAD compares: Admixed American, 0.0017%; no homozygotes.

Submission:

Labcorp Genetics (formerly Invitae), Labcorp
Classification: Uncertain significance for Microcephaly-intellectual disability-sensorineural hearing loss-epilepsy-abnormal muscle tone syndrome. Last evaluated: 2022-07-26. Review status: criteria provided, single submitter. Criteria: Invitae Variant Classification Sherloc (09022015). Collection method: clinical testing. Allele origin: germline.
Comment: In summary, the available evidence is currently insufficient to determine the role of this variant in disease. Therefore, it has been classified as a Variant of Uncertain Significance. Advanced modeling of protein sequence and biophysical properties (such as structural, functional, and spatial information, amino acid conservation, physicochemical variation, residue mobility, and thermodynamic stability) performed at Invitae indicates that this missense variant is expected to disrupt SPATA5 protein function. ClinVar contains an entry for this variant (Variation ID: 658521). This variant has not been reported in the literature in individuals affected with SPATA5-related conditions. This variant is not present in population databases (gnomAD no frequency). This sequence change replaces histidine, which is basic and polar, with arginine, which is basic and polar, at codon 557 of the SPATA5 protein (p.His557Arg).